The following is an entry in ClinVar:

ClinVar aggregate classification (germline): Likely benign. Review status: criteria provided, multiple submitters, no conflicts (2 of 4 stars). 3 submissions from 3 submitters: Likely benign (2). 1 of the submissions does not count toward it. Last evaluated 2025-10-13.

Conditions:
FAT4-related disorder. Also called: FAT4-related condition.

Allele frequency attached by ClinVar (database versions not stated): gnomAD exomes 0.00001.
gnomAD v4.1: 7 of 1,614,094 alleles (0.00043%); highest among the groups gnomAD compares: Middle Eastern, 0.033%; no homozygotes.

Submissions (3):

Labcorp Genetics (formerly Invitae), Labcorp
Classification: Likely benign. Last evaluated: 2025-10-13. Review status: criteria provided, single submitter. Criteria: Invitae Variant Classification Sherloc (09022015). Collection method: clinical testing. Allele origin: germline.

Blueprint Genetics
Classification: Likely benign. Last evaluated: 2024-10-03. Review status: criteria provided, single submitter. Criteria: ACMG Guidelines, 2015. Collection method: clinical testing. Allele origin: germline.

PreventionGenetics, part of Exact Sciences
Classification: Likely benign for FAT4-related condition. Last evaluated: 2019-08-20. Review status: no assertion criteria provided. Collection method: clinical testing. Allele origin: germline. Not counted in ClinVar's aggregate classification.
Comment: This variant is classified as likely benign based on ACMG/AMP sequence variant interpretation guidelines (Richards et al. 2015 PMID: 25741868, with internal and published modifications).

NM_001291303.3(FAT4):c.6618T>C (p.Ser2206=)

Gene: FAT4 (FAT atypical cadherin 4; plus strand). Cytogenetic location: 4q28.1.
Variant type: single nucleotide variant.
Coding change: c.6618T>C on transcript NM_001291303.3 (MANE Select); coding-DNA position 6618, T replaced by C.
Protein change: p.Ser2206=; no amino-acid change (serine 2206 retained).
Molecular consequence: synonymous variant.
Genome position (GRCh38, 1-based): chr4:125,415,581, T>C. VCF-style: chr4-125415581-T-C. GRCh37 (hg19) VCF-style: chr4-126336736-T-C.
Other names: c.6618T>C, p.Ser2206= (NM_001291285.3, NM_024582.6); c.6618T>C (NM_024582.4).
Identifiers: ClinVar variation 1617797 (VCV001617797.11), dbSNP rs1735020530, ClinGen allele CA441370001.
Genomic context (GRCh38, chr4:125,415,581, plus strand): 5'-TGGACAGGTTCGCTATGGCATTGTTAATGGTAATACCAATCAGGAATTTCGGATAGACTC[T>C]GTCACAGGTGCCATCACTGTCGCTAAACCTTTGGATAGAGAAAAGACCCCTACCTACCAT-3'
Protein context (NP_001278232.1, residues 2196-2216): GNTNQEFRID[Ser2206=]VTGAITVAKP